The following is an entry in ClinVar:

ClinVar aggregate classification (germline): Uncertain significance (1 of 4 stars; one submission).

Conditions:
Dilated cardiomyopathy 1DD (CMD1DD). Identifiers: Orphanet 154, MedGen C2750995, MONDO:0013168, OMIM 613172.

gnomAD v4.1: 2 of 1,526,346 alleles (0.00013%); highest among the groups gnomAD compares: Non-Finnish European, 0.00018%; no homozygotes.

Submission:

Labcorp Genetics (formerly Invitae), Labcorp
Classification: Uncertain significance for Dilated cardiomyopathy 1DD. Last evaluated: 2022-03-18. Review status: criteria provided, single submitter. Criteria: Invitae Variant Classification Sherloc (09022015). Collection method: clinical testing. Allele origin: germline.
Comment: This variant has not been reported in the literature in individuals affected with RBM20-related conditions. In summary, the available evidence is currently insufficient to determine the role of this variant in disease. Therefore, it has been classified as a Variant of Uncertain Significance. Advanced modeling of protein sequence and biophysical properties (such as structural, functional, and spatial information, amino acid conservation, physicochemical variation, residue mobility, and thermodynamic stability) performed at Invitae indicates that this missense variant is not expected to disrupt RBM20 protein function. This variant is not present in population databases (gnomAD no frequency). This sequence change replaces proline, which is neutral and non-polar, with arginine, which is basic and polar, at codon 33 of the RBM20 protein (p.Pro33Arg).

NM_001134363.3(RBM20):c.98C>G (p.Pro33Arg)

Gene: RBM20 (RNA binding motif protein 20; plus strand). Cytogenetic location: 10q25.2.
Variant type: single nucleotide variant.
Coding change: c.98C>G on transcript NM_001134363.3 (MANE Select); coding-DNA position 98, C replaced by G.
Protein change: p.Pro33Arg; replaces proline 33 with arginine.
Molecular consequence: missense variant.
Genome position (GRCh38, 1-based): chr10:110,644,552, C>G. VCF-style: chr10-110644552-C-G. GRCh37 (hg19) VCF-style: chr10-112404310-C-G.
Other names: short protein forms P33R.
Identifiers: ClinVar variation 2105729 (VCV002105729.4), dbSNP rs2493192401, ClinGen allele CA378527652.